The following is an entry in ClinVar:

NM_001368894.2(PAX6):c.580C>T (p.Gln194Ter)

Gene: PAX6 (paired box 6; minus strand). Cytogenetic location: 11p13.
Variant type: single nucleotide variant.
Coding change: c.580C>T on transcript NM_001368894.2 (MANE Select); coding-DNA position 580, C replaced by T.
Protein change: p.Gln194Ter; replaces glutamine 194 with a stop codon.
Molecular consequence: nonsense. On other transcripts: 5 prime UTR variant (1), non-coding transcript variant (2).
Genome position (GRCh38, 1-based): chr11:31,794,774, G>A on the plus strand (C>T on the coding strand, the complement: PAX6 is on the minus strand). VCF-style: chr11-31794774-G-A. GRCh37 (hg19) VCF-style: chr11-31816322-G-A.
Other names: c.538C>T, p.Gln180Ter (NM_000280.6, NM_001127612.3, NM_001258464.2 and 10 more transcripts); c.580C>T, p.Gln194Ter (NM_001258462.3, NM_001258463.2, NM_001310158.2 and 6 more transcripts); c.130C>T, p.Gln44Ter (NM_001310160.2, NM_001310161.3, NM_001368899.2 and 11 more transcripts); c.781C>T, p.Gln261Ter (NM_001368910.2); c.583C>T, p.Gln195Ter (NM_001368911.2); c.655C>T, p.Gln219Ter (NM_001368918.2, NM_001368919.2); c.613C>T, p.Gln205Ter (NM_001368920.2); c.379C>T, p.Gln127Ter (NM_001368921.2, NM_001368922.2, NM_001368923.2 and 4 more transcripts); and 2 more; short protein forms Q180*, Q127*, Q194*, Q261*, Q113*, Q195*, Q219*, Q205*.
Identifiers: ClinVar variation 492994 (VCV000492994.8), dbSNP rs1554983571, ClinGen allele CA379957173.

ClinVar aggregate classification (germline): Pathogenic. Review status: criteria provided, multiple submitters, no conflicts (2 of 4 stars). 2 submissions from 2 submitters: Pathogenic (2). Last evaluated 2022-06-13.

Conditions:
Aniridia 1 (AN1). Identifiers: Orphanet 250923, MedGen C0344542, MONDO:0024507, OMIM 106210.
Irido-corneo-trabecular dysgenesis (ASGD5). Also called: ANTERIOR SEGMENT DYSGENESIS 5. Identifiers: Orphanet 708, MedGen C0344559, MONDO:0011414, OMIM 604229, HP:0000659.

Submissions (2):

Labcorp Genetics (formerly Invitae), Labcorp
Classification: Pathogenic for Aniridia 1; Irido-corneo-trabecular dysgenesis. Last evaluated: 2022-06-13. Review status: criteria provided, single submitter. Criteria: Invitae Variant Classification Sherloc (09022015). Collection method: clinical testing. Allele origin: germline.
Comment: For these reasons, this variant has been classified as Pathogenic. This premature translational stop signal has been observed in individual(s) with Aniridia (PMID: 7550230). This variant is not present in population databases (gnomAD no frequency). This sequence change creates a premature translational stop signal (p.Gln180*) in the PAX6 gene. It is expected to result in an absent or disrupted protein product. Loss-of-function variants in PAX6 are known to be pathogenic (PMID: 12634864).

Genetics and Molecular Pathology, SA Pathology
Classification: Pathogenic for Aniridia 1. Last evaluated: 2017-06-13. Review status: criteria provided, single submitter. Criteria: ACMG Guidelines, 2015. Collection method: clinical testing. Allele origin: unknown. Inheritance: Autosomal dominant inheritance. Affected: yes. Observed: 1 variant allele, 1 heterozygote. Study: ANZRAG.

Literature cited by the submitters: PubMed 7550230 (cited by Labcorp Genetics (formerly Invitae), Labcorp); PubMed 12634864 (cited by Labcorp Genetics (formerly Invitae), Labcorp).